The following is an entry in ClinVar:

ClinVar aggregate classification (germline): Uncertain significance. Review status: criteria provided, multiple submitters, no conflicts (2 of 4 stars). 2 submissions from 2 submitters: Uncertain significance (2). Last evaluated 2025-09-10.

Conditions:
Hereditary pheochromocytoma and paraganglioma. Also called: Hereditary pheochromocytoma-paraganglioma; Hereditary paragangliomas and pheochromocytomas; Hereditary Paraganglioma-Pheochromocytoma Syndromes. Identifiers: Orphanet 29072, MedGen C4274332, MONDO:0017366.
Hereditary cancer-predisposing syndrome. Also called: Hereditary Cancer Syndrome; Tumor predisposition; Neoplastic Syndromes, Hereditary; Hereditary neoplastic syndrome. Identifiers: Orphanet 140162, MedGen C0027672, MeSH D009386, MONDO:0015356.

Submissions (2):

Labcorp Genetics (formerly Invitae), Labcorp
Classification: Uncertain significance for Hereditary pheochromocytoma and paraganglioma. Last evaluated: 2025-09-10. Review status: criteria provided, single submitter. Criteria: Invitae Variant Classification Sherloc (09022015). Collection method: clinical testing. Allele origin: germline.
Comment: This sequence change replaces alanine, which is neutral and non-polar, with proline, which is neutral and non-polar, at codon 15 of the SDHAF2 protein (p.Ala15Pro). This variant is not present in population databases (gnomAD no frequency). This variant has not been reported in the literature in individuals affected with SDHAF2-related conditions. ClinVar contains an entry for this variant (Variation ID: 858633). An algorithm developed to predict the effect of missense changes on protein structure and function outputs the following: PolyPhen-2: "Benign". The proline amino acid residue is found in multiple mammalian species, which suggests that this missense change does not adversely affect protein function. In summary, the available evidence is currently insufficient to determine the role of this variant in disease. Therefore, it has been classified as a Variant of Uncertain Significance.

Ambry Genetics
Classification: Uncertain significance for Hereditary cancer-predisposing syndrome. Last evaluated: 2024-11-30. Review status: criteria provided, single submitter. Criteria: Ambry Variant Classification Scheme 2023. Collection method: clinical testing. Allele origin: germline.
Comment: The p.A15P variant (also known as c.43G>C), located in coding exon 2 of the SDHAF2 gene, results from a G to C substitution at nucleotide position 43. The alanine at codon 15 is replaced by proline, an amino acid with highly similar properties. This amino acid position is conserved. In addition, this alteration is predicted to be tolerated by in silico analysis. Since supporting evidence is limited at this time, the clinical significance of this alteration remains unclear.

NM_017841.4(SDHAF2):c.43G>C (p.Ala15Pro)

Gene: SDHAF2 (succinate dehydrogenase complex assembly factor 2; plus strand). Cytogenetic location: 11q12.2.
Variant type: single nucleotide variant.
Coding change: c.43G>C on transcript NM_017841.4 (MANE Select); coding-DNA position 43, G replaced by C.
Protein change: p.Ala15Pro; replaces alanine 15 with proline.
Molecular consequence: missense variant.
Genome position (GRCh38, 1-based): chr11:61,437,631, G>C. VCF-style: chr11-61437631-G-C. GRCh37 (hg19) VCF-style: chr11-61205103-G-C.
Other names: short protein forms A15P.
Identifiers: ClinVar variation 858633 (VCV000858633.11), dbSNP rs1002894711, ClinGen allele CA380682755.
Genomic context (GRCh38, chr11:61,437,631, plus strand): 5'-ATAGCGATGATAGTCGTCATTATTGTAAAGATGTTTGTGGTTTGTTCATTTCAGATGCTT[G>C]CTCTGTCAAGGCACAGCCTATTGTCTCCTTTGCTCAGTGTGACATCATTCAGACGCTTCT-3'
Protein context (NP_060311.1, residues 5-25): TVFSTSSLML[Ala15Pro]LSRHSLLSPL